The following is an entry in ClinVar:

NM_015047.3(EMC1):c.2608A>G (p.Ile870Val)

Genes: EMC1 (ER membrane protein complex subunit 1; minus strand), EMC1-AS1 (EMC1 antisense RNA 1; plus strand). Cytogenetic location: 1p36.13.
Variant type: single nucleotide variant.
Coding change: c.2608A>G on transcript NM_015047.3 (MANE Select); coding-DNA position 2608, A replaced by G.
Protein change: p.Ile870Val; replaces isoleucine 870 with valine.
Molecular consequence: missense variant.
Genome position (GRCh38, 1-based): chr1:19,220,828, T>C on the plus strand (A>G on the coding strand, the complement: EMC1 is on the minus strand). VCF-style: chr1-19220828-T-C. GRCh37 (hg19) VCF-style: chr1-19547322-T-C.
Other names: c.2605A>G, p.Ile869Val (NM_001271427.2, NM_001271428.2); c.2542A>G, p.Ile848Val (NM_001271429.2); c.2617A>G, p.Ile873Val (NM_001375820.1); c.2614A>G, p.Ile872Val (NM_001375821.1); short protein forms I870V, I872V, I848V, I869V, I873V.
Identifiers: ClinVar variation 2120608 (VCV002120608.4), dbSNP rs1245894265, ClinGen allele CA338752450.
Genomic context (GRCh38, chr1:19,220,828, plus strand): 5'-TTTGTTCTGTTGGGATCTCGGGGCGGCGGGGATCCAGCAAAGCCTTAGGAAGGGAAAGAA[T>C]TGCTCCAGAAGGTAGTCCAACTACACAGGAGGAAGTGAATGTTCACACCGATCCAGTGTC-3'
Protein context (NP_055862.1, residues 860-880): HLLIGLPSGA[Ile870Val]LSLPKALLDP

ClinVar aggregate classification (germline): Uncertain significance (1 of 4 stars; one submission).

Allele frequency attached by ClinVar (database versions not stated): gnomAD exomes below 0.00001.
gnomAD v4.1: 2 of 1,613,422 alleles (0.00012%); highest among the groups gnomAD compares: Non-Finnish European, 0.00017%; no homozygotes.

Submission:

Labcorp Genetics (formerly Invitae), Labcorp
Classification: Uncertain significance. Last evaluated: 2022-04-01. Review status: criteria provided, single submitter. Criteria: Invitae Variant Classification Sherloc (09022015). Collection method: clinical testing. Allele origin: germline.
Comment: This sequence change replaces isoleucine, which is neutral and non-polar, with valine, which is neutral and non-polar, at codon 870 of the EMC1 protein (p.Ile870Val). In summary, the available evidence is currently insufficient to determine the role of this variant in disease. Therefore, it has been classified as a Variant of Uncertain Significance. Algorithms developed to predict the effect of sequence changes on RNA splicing suggest that this variant may disrupt the consensus splice site. Algorithms developed to predict the effect of missense changes on protein structure and function are either unavailable or do not agree on the potential impact of this missense change (SIFT: "Deleterious"; PolyPhen-2: "Benign"; Align-GVGD: "Class C25"). This variant has not been reported in the literature in individuals affected with EMC1-related conditions. This variant is present in population databases (no rsID available, gnomAD 0.0009%).